The following is an entry in ClinVar:

NM_001852.4(COL9A2):c.1037G>C (p.Gly346Ala)

Gene: COL9A2 (collagen type IX alpha 2 chain; minus strand). Cytogenetic location: 1p34.2.
Variant type: single nucleotide variant.
Coding change: c.1037G>C on transcript NM_001852.4 (MANE Select); coding-DNA position 1037, G replaced by C.
Protein change: p.Gly346Ala; replaces glycine 346 with alanine.
Molecular consequence: missense variant.
Genome position (GRCh38, 1-based): chr1:40,306,159, C>G on the plus strand (G>C on the coding strand, the complement: COL9A2 is on the minus strand). VCF-style: chr1-40306159-C-G. GRCh37 (hg19) VCF-style: chr1-40771831-C-G.
Other names: short protein forms G346A.
Identifiers: ClinVar variation 1515454 (VCV001515454.8), dbSNP rs1644026648, ClinGen allele CA339851376.

ClinVar aggregate classification (germline): Uncertain significance (1 of 4 stars; one submission).

Submission:

Labcorp Genetics (formerly Invitae), Labcorp
Classification: Uncertain significance. Last evaluated: 2023-03-24. Review status: criteria provided, single submitter. Criteria: Invitae Variant Classification Sherloc (09022015). Collection method: clinical testing. Allele origin: germline.
Comment: This sequence change replaces glycine, which is neutral and non-polar, with alanine, which is neutral and non-polar, at codon 346 of the COL9A2 protein (p.Gly346Ala). This variant is not present in population databases (gnomAD no frequency). This variant has not been reported in the literature in individuals affected with COL9A2-related conditions. ClinVar contains an entry for this variant (Variation ID: 1515454). Advanced modeling of protein sequence and biophysical properties (such as structural, functional, and spatial information, amino acid conservation, physicochemical variation, residue mobility, and thermodynamic stability) performed at Invitae indicates that this missense variant is expected to disrupt COL9A2 protein function. In summary, the available evidence is currently insufficient to determine the role of this variant in disease. Therefore, it has been classified as a Variant of Uncertain Significance.